The following is an entry in ClinVar:

NM_001792.5(CDH2):c.1543A>G (p.Met515Val)

Gene: CDH2 (cadherin 2; minus strand). Cytogenetic location: 18q12.1.
Variant type: single nucleotide variant.
Coding change: c.1543A>G on transcript NM_001792.5 (MANE Select); coding-DNA position 1543, A replaced by G.
Protein change: p.Met515Val; replaces methionine 515 with valine.
Molecular consequence: missense variant.
Genome position (GRCh38, 1-based): chr18:27,990,152, T>C on the plus strand (A>G on the coding strand, the complement: CDH2 is on the minus strand). VCF-style: chr18-27990152-T-C. GRCh37 (hg19) VCF-style: chr18-25570116-T-C.
Other names: c.1450A>G, p.Met484Val (NM_001308176.2); c.1543A>G (NM_001792.3); short protein forms M515V, M484V.
Identifiers: ClinVar variation 2731637 (VCV002731637.4), dbSNP rs1303115025, ClinGen allele CA402108947.

ClinVar aggregate classification (germline): Uncertain significance. Review status: criteria provided, multiple submitters, no conflicts (2 of 4 stars). 2 submissions from 2 submitters: Uncertain significance (2). Last evaluated 2025-11-07.

Conditions:
Inborn genetic diseases. Identifiers: MedGen C0950123, MeSH D030342.

Allele frequency attached by ClinVar (database versions not stated): gnomAD exomes below 0.00001; gnomAD 0.00001.

Submissions (2):

Ambry Genetics
Classification: Uncertain significance for Inborn genetic diseases. Last evaluated: 2025-11-07. Review status: criteria provided, single submitter. Criteria: Ambry Variant Classification Scheme 2023. Collection method: clinical testing. Allele origin: germline.
Comment: The p.M515V variant (also known as c.1543A>G), located in coding exon 10 of the CDH2 gene, results from an A to G substitution at nucleotide position 1543. The methionine at codon 515 is replaced by valine, an amino acid with highly similar properties. This amino acid position is conserved. In addition, this alteration is predicted to be tolerated by in silico analysis. Based on the available evidence, the clinical significance of this variant remains unclear.

Labcorp Genetics (formerly Invitae), Labcorp
Classification: Uncertain significance. Last evaluated: 2024-11-11. Review status: criteria provided, single submitter. Criteria: Invitae Variant Classification Sherloc (09022015). Collection method: clinical testing. Allele origin: germline.
Comment: This sequence change replaces methionine, which is neutral and non-polar, with valine, which is neutral and non-polar, at codon 515 of the CDH2 protein (p.Met515Val). This variant is present in population databases (no rsID available, gnomAD 0.009%). This variant has not been reported in the literature in individuals affected with CDH2-related conditions. ClinVar contains an entry for this variant (Variation ID: 2731637). An algorithm developed to predict the effect of missense changes on protein structure and function outputs the following: PolyPhen-2: "Benign". The valine amino acid residue is found in multiple mammalian species, which suggests that this missense change does not adversely affect protein function. In summary, the available evidence is currently insufficient to determine the role of this variant in disease. Therefore, it has been classified as a Variant of Uncertain Significance.